The following is an entry in ClinVar:

NM_000284.4(PDHA1):c.*10_*12del

Gene: PDHA1 (pyruvate dehydrogenase E1 subunit alpha 1; plus strand). Cytogenetic location: Xp22.12.
Variant type: Deletion.
Coding change: c.*10_*12del on transcript NM_000284.4 (MANE Select); 10 bases downstream of the stop codon through 12 bases downstream of the stop codon, 3 bases deleted (AAG; older notation c.*10_*12delAAG).
Molecular consequence: 3 prime UTR variant.
Genome position (GRCh38, 1-based): chrX:19,359,663-19,359,665, AAG deleted; deleting any 3 consecutive bases within chrX:19,359,661-19,359,665 gives the same sequence; the c. name uses the placement nearest the transcript's 3' end. VCF-style (leftmost placement, unchanged base first): chrX-19359660-GAGA-G. GRCh37 (hg19) VCF-style: chrX-19377778-GAGA-G.
Other names: c.*10_*12del (NM_001173454.2, NM_001173455.2, NM_001173456.2).
Identifiers: ClinVar variation 422931 (VCV000422931.4), dbSNP rs752082232, ClinGen allele CA10363227.

ClinVar aggregate classification (germline): Conflicting classifications of pathogenicity. Review status: criteria provided, conflicting classifications (1 of 4 stars). 2 submissions from 2 submitters: Uncertain significance (1); Likely benign (1). Last evaluated 2021-10-01.

Conditions:
Pyruvate dehydrogenase E1-alpha deficiency (PDHAD). Also called: Ataxia, intermittent, with pyruvate dehydrogenase, or decarboxylase, deficiency; ATAXIA, INTERMITTENT, WITH PYRUVATE DEHYDROGENASE DEFICIENCY; ATAXIA WITH LACTIC ACIDOSIS I; ATAXIA, INTERMITTENT, WITH ABNORMAL PYRUVATE METABOLISM. Identifiers: Orphanet 79243, MedGen C1839413, MONDO:0010717, OMIM 312170.

Submissions (2):

Revvity Omics, Revvity
Classification: Uncertain significance for Pyruvate dehydrogenase E1-alpha deficiency. Last evaluated: 2021-10-01. Review status: criteria provided, single submitter. Criteria: ACMG Guidelines, 2015. Collection method: clinical testing. Allele origin: germline.

GeneDx
Classification: Likely benign. Last evaluated: 2016-12-28. Review status: criteria provided, single submitter. Criteria: GeneDx Variant Classification (06012015). Collection method: clinical testing. Allele origin: germline. Affected: yes.
Comment: This variant is considered likely benign or benign based on one or more of the following criteria: it is a conservative change, it occurs at a poorly conserved position in the protein, it is predicted to be benign by multiple in silico algorithms, and/or has population frequency not consistent with disease.